The following is an entry in ClinVar:

NM_206933.4(USH2A):c.1648G>C (p.Asp550His)

Gene: USH2A (usherin; minus strand). Cytogenetic location: 1q41.
Variant type: single nucleotide variant.
Coding change: c.1648G>C on transcript NM_206933.4 (MANE Select); coding-DNA position 1648, G replaced by C.
Protein change: p.Asp550His; replaces aspartic acid 550 with histidine.
Molecular consequence: missense variant.
Genome position (GRCh38, 1-based): chr1:216,292,367, C>G on the plus strand (G>C on the coding strand, the complement: USH2A is on the minus strand). VCF-style: chr1-216292367-C-G. GRCh37 (hg19) VCF-style: chr1-216465709-C-G.
Other names: c.1648G>C, p.Asp550His (NM_007123.6); short protein forms D550H.
Identifiers: ClinVar variation 179343 (VCV000179343.15), dbSNP rs727504805, ClinGen allele CA184234.

ClinVar aggregate classification (germline): Uncertain significance. Review status: criteria provided, multiple submitters, no conflicts (2 of 4 stars). 10 submissions from 9 submitters: Uncertain significance (8). 2 of the submissions do not count toward it. Last evaluated 2026-03-17.

Conditions:
USH2A-related disorder. Also called: USH2A-related condition; USH2A-related disorders. Identifiers: MedGen CN239332.
Inborn genetic diseases. Identifiers: MedGen C0950123, MeSH D030342.
Usher syndrome type 2A. Also called: USHER SYNDROME, TYPE IIA; RETINAL DISEASE IN USHER SYNDROME TYPE IIA, MODIFIER OF. Identifiers: Orphanet 231178, Orphanet 886, MedGen C1848634, MONDO:0010169, OMIM 276901.
Retinitis pigmentosa 39 (RP39). Identifiers: Orphanet 791, MedGen C3151138, MONDO:0013436, OMIM 613809.

Allele frequency attached by ClinVar (database versions not stated): gnomAD below 0.00001 and 0.00001; gnomAD exomes 0.00005; ExAC 0.00007.
gnomAD v4.1: 52 of 1,613,524 alleles (0.0032%); highest among the groups gnomAD compares: South Asian, 0.054%; no homozygotes.

Submissions (10):

GeneDx
Classification: Uncertain significance. Last evaluated: 2026-03-17. Review status: criteria provided, single submitter. Criteria: GeneDx Variant Classification Process June 2021. Collection method: clinical testing. Allele origin: germline.
Comment: In silico analysis supports that this missense variant has a deleterious effect on protein structure/function; Has not been previously published as pathogenic or benign to our knowledge

PreventionGenetics, part of Exact Sciences
Classification: Uncertain significance for USH2A-related condition. Last evaluated: 2026-01-29. Review status: criteria provided, single submitter. Criteria: ACMG Guidelines, 2015. Collection method: clinical testing. Allele origin: germline.
Comment: The USH2A c.1648G>C variant is predicted to result in the amino acid substitution p.Asp550His. To our knowledge, this variant has not been reported in the literature. This variant is reported in 0.042% of alleles in individuals of South Asian descent in gnomAD. At this time, the clinical significance of this variant is uncertain due to the absence of conclusive functional and genetic evidence.

Ambry Genetics
Classification: Uncertain significance for Inborn genetic diseases. Last evaluated: 2025-08-21. Review status: criteria provided, single submitter. Criteria: Ambry Variant Classification Scheme 2023. Collection method: clinical testing. Allele origin: germline.

Genome-Nilou Lab
Classification: Uncertain significance for Retinitis pigmentosa 39. Last evaluated: 2023-11-04. Review status: criteria provided, single submitter. Criteria: ACMG Guidelines, 2015. Collection method: clinical testing. Allele origin: germline. Affected: no.

Genome-Nilou Lab
Classification: Uncertain significance for Usher syndrome type 2A. Last evaluated: 2023-11-04. Review status: criteria provided, single submitter. Criteria: ACMG Guidelines, 2015. Collection method: clinical testing. Allele origin: germline. Affected: no.

Blueprint Genetics
Classification: Uncertain significance. Last evaluated: 2022-09-10. Review status: criteria provided, single submitter. Criteria: ACMG Guidelines, 2015. Collection method: clinical testing. Allele origin: germline.

Labcorp Genetics (formerly Invitae), Labcorp
Classification: Uncertain significance. Last evaluated: 2022-06-27. Review status: criteria provided, single submitter. Criteria: Invitae Variant Classification Sherloc (09022015). Collection method: clinical testing. Allele origin: germline.
Comment: This sequence change replaces aspartic acid, which is acidic and polar, with histidine, which is basic and polar, at codon 550 of the USH2A protein (p.Asp550His). This variant is present in population databases (rs727504805, gnomAD 0.04%). This variant has not been reported in the literature in individuals affected with USH2A-related conditions. ClinVar contains an entry for this variant (Variation ID: 179343). Algorithms developed to predict the effect of missense changes on protein structure and function are either unavailable or do not agree on the potential impact of this missense change (SIFT: "Deleterious"; PolyPhen-2: "Benign"; Align-GVGD: "Class C0"). In summary, the available evidence is currently insufficient to determine the role of this variant in disease. Therefore, it has been classified as a Variant of Uncertain Significance.

Laboratory for Molecular Medicine, Mass General Brigham Personalized Medicine
Classification: Uncertain significance. Last evaluated: 2015-02-23. Review status: criteria provided, single submitter. Criteria: LMM Criteria. Collection method: clinical testing. Allele origin: germline. Observed: 3 variant alleles.
Comment: proposed classification - variant undergoing re-assessment, contact laboratory

Natera, Inc.
Classification: Uncertain significance for Usher syndrome type 2A. Last evaluated: 2020-08-03. Review status: no assertion criteria provided. Collection method: clinical testing. Allele origin: germline. Not counted in ClinVar's aggregate classification.

Counsyl
Classification: Uncertain significance for Usher syndrome type 2A; Retinitis pigmentosa 39. Last evaluated: 2017-04-21. Review status: no assertion criteria provided. Collection method: clinical testing. Allele origin: unknown. Not counted in ClinVar's aggregate classification.